The following is an entry in ClinVar:

NM_004540.5(NCAM2):c.1957T>C (p.Leu653=)

Gene: NCAM2 (neural cell adhesion molecule 2; plus strand). Cytogenetic location: 21q21.1.
Variant type: single nucleotide variant.
Coding change: c.1957T>C on transcript NM_004540.5 (MANE Select); coding-DNA position 1957, T replaced by C.
Protein change: p.Leu653=; no amino-acid change (leucine 653 retained).
Molecular consequence: synonymous variant.
Genome position (GRCh38, 1-based): chr21:21,477,351, T>C. VCF-style: chr21-21477351-T-C. GRCh37 (hg19) VCF-style: chr21-22849672-T-C.
Other names: c.1957T>C, p.Leu653= (NM_001352591.2, NM_001352593.2, NM_001352594.2); c.2032T>C, p.Leu678= (NM_001352592.2); c.1531T>C, p.Leu511= (NM_001352595.2).
Identifiers: ClinVar variation 3049716 (VCV003049716.2), dbSNP rs143579715, ClinGen allele CA9985520.

ClinVar aggregate classification (germline): Benign (0 of 4 stars; one submission).

Conditions:
NCAM2-related disorder. Also called: NCAM2-related condition.

Allele frequency attached by ClinVar (database versions not stated): gnomAD exomes 0.00066; ExAC 0.00246; gnomAD 0.00733; ESP Exome Variant Server 0.00753; TOPMed 0.00813; 1000 Genomes Project 0.01138; 1000 Genomes Project 30x 0.01296.
gnomAD v4.1: 2,110 of 1,610,482 alleles (0.13%); highest among the groups gnomAD compares: African/African-American, 2.5%; 26 homozygotes.

Submission:

PreventionGenetics, part of Exact Sciences
Classification: Benign for NCAM2-related condition. Last evaluated: 2019-07-15. Review status: no assertion criteria provided. Collection method: clinical testing. Allele origin: germline.
Comment: This variant is classified as benign based on ACMG/AMP sequence variant interpretation guidelines (Richards et al. 2015 PMID: 25741868, with internal and published modifications).